The following is an entry in ClinVar:

NC_000002.12:g.(?_111944960)_(112028864_?)del

Gene: MERTK (MER proto-oncogene, tyrosine kinase; plus strand). Cytogenetic location: 2q13.
Variant type: Deletion.
Identifiers: ClinVar variation 831456 (VCV000831456.1).

ClinVar aggregate classification (germline): Pathogenic (1 of 4 stars; one submission).

Submission:

Labcorp Genetics (formerly Invitae), Labcorp
Classification: Pathogenic. Last evaluated: 2019-12-30. Review status: criteria provided, single submitter. Criteria: Invitae Variant Classification Sherloc (09022015). Collection method: clinical testing. Allele origin: germline.
Comment: This variant is a gross deletion of the genomic region encompassing exons 3-19 of the MERTK gene. The 5' boundary is likely confined to intron 2. The 3' end of this event is unknown as it extends through the termination codon beyond the assayed region for this gene and may encompass additional genes. While this deletion is not anticipated to result in nonsense mediated decay, it is expected to create a truncated protein product or disrupt mRNA translation. This variant has been observed in individual(s) with clinical features of MERTK-related conditions (PMID: 26103963, Invitae). It has also been observed to segregate with disease in related individuals. For these reasons, this variant has been classified as Pathogenic.

Literature cited by the submitters: PubMed 26103963.